The following is an entry in ClinVar:

ClinVar aggregate classification (germline): Uncertain significance (1 of 4 stars; one submission).

Conditions:
Hereditary cancer-predisposing syndrome. Also called: Tumor predisposition; Hereditary neoplastic syndrome; Neoplastic Syndromes, Hereditary; Hereditary Cancer Syndrome. Identifiers: Orphanet 140162, MedGen C0027672, MeSH D009386, MONDO:0015356.

Submission:

Labcorp Genetics (formerly Invitae), Labcorp
Classification: Uncertain significance for Hereditary cancer-predisposing syndrome. Last evaluated: 2024-03-04. Review status: criteria provided, single submitter. Criteria: Invitae Variant Classification Sherloc (09022015). Collection method: clinical testing. Allele origin: germline.
Comment: This sequence change replaces lysine, which is basic and polar, with asparagine, which is neutral and polar, at codon 743 of the RAD50 protein (p.Lys743Asn). This variant is not present in population databases (gnomAD no frequency). This variant has not been reported in the literature in individuals affected with RAD50-related conditions. ClinVar contains an entry for this variant (Variation ID: 857700). Advanced modeling of protein sequence and biophysical properties (such as structural, functional, and spatial information, amino acid conservation, physicochemical variation, residue mobility, and thermodynamic stability) performed at Invitae indicates that this missense variant is not expected to disrupt RAD50 protein function with a negative predictive value of 80%. In summary, the available evidence is currently insufficient to determine the role of this variant in disease. Therefore, it has been classified as a Variant of Uncertain Significance.

NM_005732.4(RAD50):c.2229G>C (p.Lys743Asn)

Gene: RAD50 (RAD50 double strand break repair protein; plus strand). Cytogenetic location: 5q31.1.
Variant type: single nucleotide variant.
Coding change: c.2229G>C on transcript NM_005732.4 (MANE Select); coding-DNA position 2229, G replaced by C.
Protein change: p.Lys743Asn; replaces lysine 743 with asparagine.
Molecular consequence: missense variant.
Genome position (GRCh38, 1-based): chr5:132,603,321, G>C. VCF-style: chr5-132603321-G-C. GRCh37 (hg19) VCF-style: chr5-131939013-G-C.
Other names: short protein forms K743N.
Identifiers: ClinVar variation 857700 (VCV000857700.10), dbSNP rs1750920085, ClinGen allele CA360953800.